The following is an entry in ClinVar:

ClinVar aggregate classification (germline): Uncertain significance (0 of 4 stars; one submission).

Conditions:
PKHD1-related disorder. Also called: PKHD1-related condition.

Submission:

PreventionGenetics, part of Exact Sciences
Classification: Uncertain significance for PKHD1-related condition. Last evaluated: 2023-11-06. Review status: no assertion criteria provided. Collection method: clinical testing. Allele origin: germline.
Comment: The PKHD1 c.10324A>G variant is predicted to result in the amino acid substitution p.Ser3442Gly. To our knowledge, this variant has not been reported in the literature or in a large population database, indicating this variant is rare. At this time, the clinical significance of this variant is uncertain due to the absence of conclusive functional and genetic evidence.

NM_138694.4(PKHD1):c.10324A>G (p.Ser3442Gly)

Gene: PKHD1 (PKHD1 ciliary IPT domain containing fibrocystin/polyductin; minus strand). Cytogenetic location: 6p12.3.
Variant type: single nucleotide variant.
Coding change: c.10324A>G on transcript NM_138694.4 (MANE Select); coding-DNA position 10324, A replaced by G.
Protein change: p.Ser3442Gly; replaces serine 3442 with glycine.
Molecular consequence: missense variant.
Genome position (GRCh38, 1-based): chr6:51,659,802, T>C on the plus strand (A>G on the coding strand, the complement: PKHD1 is on the minus strand). VCF-style: chr6-51659802-T-C. GRCh37 (hg19) VCF-style: chr6-51524600-T-C.
Other names: short protein forms S3442G.
Identifiers: ClinVar variation 3029648 (VCV003029648.2), dbSNP rs2533453389, ClinGen allele CA364436344.
Genomic context (GRCh38, chr6:51,659,802, plus strand): 5'-TAGAATAGAAAGTAGACACTGACCCAGAAGTAGAGCAGGGAATATTGGCATTTACACTGC[T>C]AAAGACATCAACAAAACCACTAGTCACAGATACAACTGGATATAACTTCTGAATTGCCCA-3'
Protein context (NP_619639.3, residues 3432-3452): SVTSGFVDVF[Ser3442Gly]SVNANIPCST